The following is an entry in ClinVar:

ClinVar aggregate classification (germline): Uncertain significance (1 of 4 stars; one submission).

Allele frequency attached by ClinVar (database versions not stated): ExAC 0.00001.
gnomAD v4.1: 7 of 1,614,060 alleles (0.00043%); highest among the groups gnomAD compares: Non-Finnish European, 0.00059%; no homozygotes.

Submission:

Labcorp Genetics (formerly Invitae), Labcorp
Classification: Uncertain significance. Last evaluated: 2021-12-18. Review status: criteria provided, single submitter. Criteria: Invitae Variant Classification Sherloc (09022015). Collection method: clinical testing. Allele origin: germline.
Comment: In summary, the available evidence is currently insufficient to determine the role of this variant in disease. Therefore, it has been classified as a Variant of Uncertain Significance. Variants that disrupt the consensus splice site are a relatively common cause of aberrant splicing (PMID: 17576681, 9536098). Algorithms developed to predict the effect of sequence changes on RNA splicing suggest that this variant may disrupt the consensus splice site. This variant has not been reported in the literature in individuals affected with SZT2-related conditions. This variant is present in population databases (rs752635597, gnomAD 0.0009%). This sequence change affects codon 3328 of the SZT2 mRNA. It is a 'silent' change, meaning that it does not change the encoded amino acid sequence of the SZT2 protein. This variant also falls at the last nucleotide of exon 70, which is part of the consensus splice site for this exon.

Literature cited by the submitters: PubMed 17576681; PubMed 9536098.

NM_001365999.1(SZT2):c.10155G>A (p.Thr3385=)

Gene: SZT2 (SZT2 subunit of KICSTOR complex; plus strand). Cytogenetic location: 1p34.2.
Variant type: single nucleotide variant.
Coding change: c.10155G>A on transcript NM_001365999.1 (MANE Select); coding-DNA position 10155, G replaced by A.
Protein change: p.Thr3385=; no amino-acid change (threonine 3385 retained).
Molecular consequence: synonymous variant.
Genome position (GRCh38, 1-based): chr1:43,450,171, G>A. VCF-style: chr1-43450171-G-A. GRCh37 (hg19) VCF-style: chr1-43915842-G-A.
Other names: c.9984G>A, p.Thr3328= (NM_015284.4); c.1596G>A, p.Thr532= (NM_024547.1).
Identifiers: ClinVar variation 2047032 (VCV002047032.4), dbSNP rs752635597, ClinGen allele CA811097.
Genomic context (GRCh38, chr1:43,450,171, plus strand): 5'-GAATCAGAAGTTCACTGACTGCTTTGTGCTAGTGTTTCTGGACTCCCACTTAGGAAAGAC[G>A]GTAAGAACGAGTGGGGGGCTTTGTGTCAGCCTCATGGGAGGCCGTACCCCAAATGCTCCA-3'
Protein context (NP_001352928.1, residues 3375-3395): LVFLDSHLGK[Thr3385=]SLTVVFREPF